The following is an entry in ClinVar:

ClinVar aggregate classification (germline): Conflicting classifications of pathogenicity. Review status: criteria provided, conflicting classifications (1 of 4 stars). 2 submissions from 2 submitters: Uncertain significance (1); Likely benign (1). Last evaluated 2023-03-23.

Conditions:
Hereditary cancer-predisposing syndrome. Also called: Neoplastic Syndromes, Hereditary; Hereditary Cancer Syndrome; Tumor predisposition; Hereditary neoplastic syndrome. Identifiers: Orphanet 140162, MedGen C0027672, MeSH D009386, MONDO:0015356.

Submissions (2):

University of Washington Department of Laboratory Medicine, University of Washington
Classification: Likely benign for Hereditary cancer-predisposing syndrome. Last evaluated: 2023-03-23. Review status: criteria provided, single submitter. Criteria: Dines et al. (Genet Med. 2020). Collection method: curation. Allele origin: germline.
Comment: Missense variant in a coldspot region where missense variants are very unlikely to be pathogenic (PMID:31911673).

BRCA2 exon 11 coldspot. Reclassification based on statistical prior probability.

Quest Diagnostics Nichols Institute San Juan Capistrano
Classification: Uncertain significance. Last evaluated: 2020-07-12. Review status: criteria provided, single submitter. Criteria: Quest Diagnostics criteria. Collection method: clinical testing. Allele origin: unknown.

NM_000059.4(BRCA2):c.5381T>G (p.Val1794Gly)

Gene: BRCA2 (BRCA2 DNA repair associated; plus strand). Cytogenetic location: 13q13.1.
Variant type: single nucleotide variant.
Coding change: c.5381T>G on transcript NM_000059.4 (MANE Select); coding-DNA position 5381, T replaced by G.
Protein change: p.Val1794Gly; replaces valine 1794 with glycine.
Molecular consequence: missense variant.
Genome position (GRCh38, 1-based): chr13:32,339,736, T>G. VCF-style: chr13-32339736-T-G. GRCh37 (hg19) VCF-style: chr13-32913873-T-G.
Other names: short protein forms V1794G.
Identifiers: ClinVar variation 993175 (VCV000993175.3), dbSNP rs2072528202, ClinGen allele CA387785206.